The following is an entry in ClinVar:

NM_000048.4(ASL):c.1357C>T (p.Arg453Cys)

Gene: ASL (argininosuccinate lyase; plus strand). Cytogenetic location: 7q11.21.
Variant type: single nucleotide variant.
Coding change: c.1357C>T on transcript NM_000048.4 (MANE Select); coding-DNA position 1357, C replaced by T.
Protein change: p.Arg453Cys; replaces arginine 453 with cysteine.
Molecular consequence: missense variant.
Genome position (GRCh38, 1-based): chr7:66,092,874, C>T. VCF-style: chr7-66092874-C-T. GRCh37 (hg19) VCF-style: chr7-65557861-C-T.
Other names: c.1357C>T, p.Arg453Cys (NM_001024943.2); c.1297C>T, p.Arg433Cys (NM_001024944.2); c.1279C>T, p.Arg427Cys (NM_001024946.2); short protein forms R427C, R433C, R453C.
Identifiers: ClinVar variation 1460821 (VCV001460821.9), dbSNP rs144591360, ClinGen allele CA4277398.
Genomic context (GRCh38, chr7:66,092,874, plus strand): 5'-AGTGTGGAGCAGTATGGTGCCCTGGGCGGCACTGCGCGCTCCAGCGTCGACTGGCAGATC[C>T]GCCAGGTGCGGGCGCTACTGCAGGCACAGCAGGCCTAGGTCCTCCCACACCTGCCCCCTA-3'
Protein context (NP_000039.2, residues 443-463): TARSSVDWQI[Arg453Cys]QVRALLQAQQ

ClinVar aggregate classification (germline): Conflicting classifications of pathogenicity. Review status: criteria provided, conflicting classifications (1 of 4 stars). 2 submissions from 2 submitters: Uncertain significance (1); Likely benign (1). Last evaluated 2025-11-15.

Conditions:
Argininosuccinate lyase deficiency. Also called: Argininosuccinic aciduria; ARGININOSUCCINIC ACID LYASE DEFICIENCY; ASL DEFICIENCY. Identifiers: Orphanet 23, MedGen C0268547, MONDO:0008815, OMIM 207900, HP:0025630.

Allele frequency attached by ClinVar (database versions not stated): gnomAD exomes 0.00007 and 0.00015; ESP Exome Variant Server 0.00008; ExAC 0.00018; 1000 Genomes Project 0.00040; 1000 Genomes Project 30x 0.00047.
gnomAD v4.1: 108 of 1,611,754 alleles (0.0067%); highest among the groups gnomAD compares: South Asian, 0.088%; 1 homozygote.

Submissions (2):

Labcorp Genetics (formerly Invitae), Labcorp
Classification: Likely benign for Argininosuccinate lyase deficiency. Last evaluated: 2025-11-15. Review status: criteria provided, single submitter. Criteria: Invitae Variant Classification Sherloc (09022015). Collection method: clinical testing. Allele origin: germline.

Women's Health and Genetics/Laboratory Corporation of America, LabCorp
Classification: Uncertain significance. Last evaluated: 2024-06-21. Review status: criteria provided, single submitter. Criteria: LabCorp Variant Classification Summary - May 2015. Collection method: clinical testing. Allele origin: germline.
Comment: Variant summary: ASL c.1357C>T (p.Arg453Cys) results in a non-conservative amino acid change in the encoded protein sequence. Three of five in-silico tools predict a benign effect of the variant on protein function. The variant allele was found at a frequency of 0.00015 in 247790 control chromosomes. This frequency is not significantly higher than estimated for a pathogenic variant in ASL causing Argininosuccinic Aciduria (0.00015 vs 0.0042), allowing no conclusion about variant significance. To our knowledge, no occurrence of c.1357C>T in individuals affected with Argininosuccinic Aciduria and no experimental evidence demonstrating its impact on protein function have been reported. ClinVar contains an entry for this variant (Variation ID: 1460821). Based on the evidence outlined above, the variant was classified as uncertain significance.